The following is an entry in ClinVar:

NM_004787.4(SLIT2):c.3398G>A (p.Gly1133Glu)

Gene: SLIT2 (slit guidance ligand 2; plus strand). Cytogenetic location: 4p15.31.
Variant type: single nucleotide variant.
Coding change: c.3398G>A on transcript NM_004787.4 (MANE Select); coding-DNA position 3398, G replaced by A.
Protein change: p.Gly1133Glu; replaces glycine 1133 with glutamic acid.
Molecular consequence: missense variant.
Genome position (GRCh38, 1-based): chr4:20,596,492, G>A. VCF-style: chr4-20596492-G-A. GRCh37 (hg19) VCF-style: chr4-20598115-G-A.
Other names: c.3386G>A, p.Gly1129Glu (NM_001289135.3); c.3374G>A, p.Gly1125Glu (NM_001289136.3); short protein forms G1125E, G1129E, G1133E.
Identifiers: ClinVar variation 4746919 (VCV004746919.1).
Genomic context (GRCh38, chr4:20,596,492, plus strand): 5'-TTTCTCCACCCATGGTCCTCCCTCGTACCAGCCCCTGTGATAATTTTGATTGTCAGAATG[G>A]AGCTCAGTGTATCGTCAGAATAAATGAGCCAATATGTCAGTGTTTGCCTGGCTATCAGGG-3'
Protein context (NP_004778.1, residues 1123-1143): SPCDNFDCQN[Gly1133Glu]AQCIVRINEP

ClinVar aggregate classification (germline): Uncertain significance (1 of 4 stars; one submission).

gnomAD v4.1: 56 of 1,614,026 alleles (0.0035%); highest among the groups gnomAD compares: Middle Eastern, 0.099%; 1 homozygote.

Submission:

Labcorp Genetics (formerly Invitae), Labcorp
Classification: Uncertain significance. Last evaluated: 2026-01-08. Review status: criteria provided, single submitter. Criteria: Invitae Variant Classification Sherloc (09022015). Collection method: clinical testing. Allele origin: germline.
Comment: This sequence change replaces glycine, which is neutral and non-polar, with glutamic acid, which is acidic and polar, at codon 1133 of the SLIT2 protein (p.Gly1133Glu). This variant is present in population databases (rs146139210, gnomAD 0.01%). This variant has not been reported in the literature in individuals affected with SLIT2-related conditions. An algorithm developed to predict the effect of missense changes on protein structure and function (PolyPhen-2) suggests that this variant is likely to be disruptive. In summary, the available evidence is currently insufficient to determine the role of this variant in disease. Therefore, it has been classified as a Variant of Uncertain Significance.